The following is an entry in ClinVar:

NM_000289.6(PFKM):c.38G>A (p.Gly13Glu)

Gene: PFKM (phosphofructokinase, muscle; plus strand). Cytogenetic location: 12q13.11.
Variant type: single nucleotide variant.
Coding change: c.38G>A on transcript NM_000289.6 (MANE Select); coding-DNA position 38, G replaced by A.
Protein change: p.Gly13Glu; replaces glycine 13 with glutamic acid.
Molecular consequence: missense variant. On other transcripts: 5 prime UTR variant (3), non-coding transcript variant (6).
Genome position (GRCh38, 1-based): chr12:48,122,812, G>A. VCF-style: chr12-48122812-G-A. GRCh37 (hg19) VCF-style: chr12-48516595-G-A.
Other names: c.251G>A, p.Gly84Glu (NM_001166686.2, NM_001354737.1, NM_001354738.1 and 1 more transcripts); c.38G>A, p.Gly13Glu (NM_001166687.2, NM_001166688.2, NM_001354742.2 and 4 more transcripts); c.347G>A, p.Gly116Glu (NM_001354735.1, NM_001354736.1); c.182G>A, p.Gly61Glu (NM_001354740.1); c.62G>A, p.Gly21Glu (NM_001354741.2); c.-288G>A (NM_001354745.2); c.-39G>A (NM_001354747.2, NM_001354748.2); short protein forms G84E, G61E, G116E, G13E, G21E.
Identifiers: ClinVar variation 1971709 (VCV001971709.2), dbSNP rs752193772, ClinGen allele CA6536831.

ClinVar aggregate classification (germline): Uncertain significance (1 of 4 stars; one submission).

Conditions:
Glycogen storage disease, type VII (GSD7). Also called: PFKM DEFICIENCY; TARUI DISEASE; GSD VII; MUSCLE PHOSPHOFRUCTOKINASE DEFICIENCY. Identifiers: Orphanet 371, MedGen C0017926, MONDO:0009295, OMIM 232800.

Allele frequency attached by ClinVar (database versions not stated): TOPMed below 0.00001; gnomAD 0.00001; gnomAD exomes 0.00001; ExAC 0.00002.
gnomAD v4.1: 9 of 1,614,014 alleles (0.00056%); highest among the groups gnomAD compares: Non-Finnish European, 0.00076%; no homozygotes.

Submission:

Labcorp Genetics (formerly Invitae), Labcorp
Classification: Uncertain significance for Glycogen storage disease, type VII. Last evaluated: 2022-02-18. Review status: criteria provided, single submitter. Criteria: Invitae Variant Classification Sherloc (09022015). Collection method: clinical testing. Allele origin: germline.
Comment: This sequence change replaces glycine, which is neutral and non-polar, with glutamic acid, which is acidic and polar, at codon 13 of the PFKM protein (p.Gly13Glu). This variant is present in population databases (rs752193772, gnomAD 0.003%). This variant has not been reported in the literature in individuals affected with PFKM-related conditions. Algorithms developed to predict the effect of missense changes on protein structure and function are either unavailable or do not agree on the potential impact of this missense change (SIFT: "Tolerated"; PolyPhen-2: "Probably Damaging"; Align-GVGD: "Class C0"). In summary, the available evidence is currently insufficient to determine the role of this variant in disease. Therefore, it has been classified as a Variant of Uncertain Significance.